The following is an entry in ClinVar:

ClinVar aggregate classification (germline): Conflicting classifications of pathogenicity. Review status: criteria provided, conflicting classifications (1 of 4 stars). 2 submissions from 2 submitters: Pathogenic (1); Uncertain significance (1). Last evaluated 2025-03-20.

Conditions:
MC1R-related disorder. Also called: MC1R-related condition.
Melanoma, cutaneous malignant, susceptibility to, 5. Also called: Cutaneous malignant melanoma 5. Identifiers: Orphanet 618, MedGen C2751295, MONDO:0013133, OMIM 613099.

Allele frequency attached by ClinVar (database versions not stated): 1000 Genomes Project 30x 0.00016; 1000 Genomes Project 0.00020.
gnomAD v4.1: 147 of 1,613,040 alleles (0.0091%); highest among the groups gnomAD compares: African/African-American, 0.15%; no homozygotes.

Submissions (2):

Labcorp Genetics (formerly Invitae), Labcorp
Classification: Uncertain significance for Melanoma, cutaneous malignant, susceptibility to, 5. Last evaluated: 2025-03-20. Review status: criteria provided, single submitter. Criteria: Invitae Variant Classification Sherloc (09022015). Collection method: clinical testing. Allele origin: germline.
Comment: This sequence change replaces glycine, which is neutral and non-polar, with arginine, which is basic and polar, at codon 89 of the MC1R protein (p.Gly89Arg). This variant is present in population databases (rs34540312, gnomAD 0.1%), and has an allele count higher than expected for a pathogenic variant. This missense change has been observed in individual(s) with melanoma (PMID: 17072629, 23647022, 24045876). ClinVar contains an entry for this variant (Variation ID: 1465042). Invitae Evidence Modeling of protein sequence and biophysical properties (such as structural, functional, and spatial information, amino acid conservation, physicochemical variation, residue mobility, and thermodynamic stability) indicates that this missense variant is not expected to disrupt MC1R protein function with a negative predictive value of 80%. Experimental studies have shown that this missense change affects MC1R function (PMID: 23522749). In summary, the available evidence is currently insufficient to determine the role of this variant in disease. Therefore, it has been classified as a Variant of Uncertain Significance.

Blueprint Genetics
Classification: Pathogenic for MC1R-related disorders. Last evaluated: 2024-06-19. Review status: criteria provided, single submitter. Criteria: ACMG Guidelines, 2015. Collection method: clinical testing. Allele origin: germline. Affected: yes. Observed: 5 variant alleles.

Literature cited by the submitters: PubMed 17072629 (cited by Labcorp Genetics (formerly Invitae), Labcorp); PubMed 23647022 (cited by Labcorp Genetics (formerly Invitae), Labcorp); PubMed 24045876 (cited by Labcorp Genetics (formerly Invitae), Labcorp); PubMed 23522749 (cited by Labcorp Genetics (formerly Invitae), Labcorp).

NM_002386.4(MC1R):c.265G>A (p.Gly89Arg)

Gene: MC1R (melanocortin 1 receptor; plus strand). Cytogenetic location: 16q24.3.
Variant type: single nucleotide variant.
Coding change: c.265G>A on transcript NM_002386.4 (MANE Select); coding-DNA position 265, G replaced by A.
Protein change: p.Gly89Arg; replaces glycine 89 with arginine.
Molecular consequence: missense variant.
Genome position (GRCh38, 1-based): chr16:89,919,523, G>A. VCF-style: chr16-89919523-G-A. GRCh37 (hg19) VCF-style: chr16-89985931-G-A.
Other names: short protein forms G89R.
Identifiers: ClinVar variation 1465042 (VCV001465042.7), dbSNP rs34540312, ClinGen allele CA8255541.